The following is an entry in ClinVar:

ClinVar aggregate classification (germline): Uncertain significance (1 of 4 stars; one submission).

Conditions:
Hereditary spastic paraplegia 11. Also called: Spastic Paraplegia 11; Spastic paraplegia, mental retardation and thin corpus callosum; Nakamura Osame syndrome; Autosomal recessive hereditary spastic paraplegia, mental impairment, and thin corpus callosum; SPASTIC PARAPLEGIA, AUTOSOMAL RECESSIVE, COMPLICATED, WITH THIN CORPUS CALLOSUM; SPASTIC PARAPLEGIA, AUTOSOMAL RECESSIVE, WITH MENTAL IMPAIRMENT AND THIN CORPUS CALLOSUM. Identifiers: Orphanet 2822, MedGen C1858479, MONDO:0011445, OMIM 604360.

gnomAD v4.1: 1 of 1,613,106 alleles (0.000062%); highest among the groups gnomAD compares: South Asian, 0.0011%; no homozygotes.

Submission:

Labcorp Genetics (formerly Invitae), Labcorp
Classification: Uncertain significance for Hereditary spastic paraplegia 11. Last evaluated: 2022-03-11. Review status: criteria provided, single submitter. Criteria: Invitae Variant Classification Sherloc (09022015). Collection method: clinical testing. Allele origin: germline.
Comment: This sequence change replaces glycine, which is neutral and non-polar, with glutamic acid, which is acidic and polar, at codon 749 of the SPG11 protein (p.Gly749Glu). In summary, the available evidence is currently insufficient to determine the role of this variant in disease. Therefore, it has been classified as a Variant of Uncertain Significance. Algorithms developed to predict the effect of missense changes on protein structure and function are either unavailable or do not agree on the potential impact of this missense change (SIFT: "Deleterious"; PolyPhen-2: "Benign"; Align-GVGD: "Class C0"). This variant has not been reported in the literature in individuals affected with SPG11-related conditions. This variant is not present in population databases (gnomAD no frequency).

NM_025137.4(SPG11):c.2246G>A (p.Gly749Glu)

Gene: SPG11 (SPG11 vesicle trafficking associated, spatacsin; minus strand). Cytogenetic location: 15q21.1.
Variant type: single nucleotide variant.
Coding change: c.2246G>A on transcript NM_025137.4 (MANE Select); coding-DNA position 2246, G replaced by A.
Protein change: p.Gly749Glu; replaces glycine 749 with glutamic acid.
Molecular consequence: missense variant.
Genome position (GRCh38, 1-based): chr15:44,622,798, C>T on the plus strand (G>A on the coding strand, the complement: SPG11 is on the minus strand). VCF-style: chr15-44622798-C-T. GRCh37 (hg19) VCF-style: chr15-44914996-C-T.
Other names: c.2246G>A, p.Gly749Glu (NM_001160227.2, NM_001411132.1); short protein forms G749E.
Identifiers: ClinVar variation 2108104 (VCV002108104.4), dbSNP rs2505563583, ClinGen allele CA392232557.
Genomic context (GRCh38, chr15:44,622,798, plus strand): 5'-CGTATATTTTTATTAGTTGTATAGAAGCAGATCTTGAGCAATTGGCCTTTTACATCAAAC[C>T]CCTAAAATAAACATAGAAAACCAAAAAAAGTTACATTTTGTAATGGAACTATTTTGAACA-3'
Protein context (NP_079413.3, residues 739-759): KEASELLKNM[Gly749Glu]FDVKGQLLKI